The following is an entry in ClinVar:

NM_000057.4(BLM):c.99-9A>T

Gene: BLM (BLM RecQ like helicase; plus strand). Cytogenetic location: 15q26.1.
Variant type: single nucleotide variant.
Coding change: c.99-9A>T on transcript NM_000057.4 (MANE Select); 9 bases into the intron before coding-DNA position 99, A replaced by T.
Molecular consequence: intron variant.
Genome position (GRCh38, 1-based): chr15:90,749,358, A>T. VCF-style: chr15-90749358-A-T. GRCh37 (hg19) VCF-style: chr15-91292588-A-T.
Other names: c.99-9A>T (NM_001287246.2, NM_001287247.2); c.-1193-9A>T (NM_001287248.2).
Identifiers: ClinVar variation 454171 (VCV000454171.10), dbSNP rs1419730289, ClinGen allele CA658658310.

ClinVar aggregate classification (germline): Conflicting classifications of pathogenicity. Review status: criteria provided, conflicting classifications (1 of 4 stars). 2 submissions from 2 submitters: Uncertain significance (1); Likely benign (1). Last evaluated 2025-03-02.

Conditions:
Hereditary cancer-predisposing syndrome. Also called: Hereditary Cancer Syndrome; Hereditary neoplastic syndrome; Neoplastic Syndromes, Hereditary; Tumor predisposition. Identifiers: Orphanet 140162, MedGen C0027672, MeSH D009386, MONDO:0015356.
Bloom syndrome (BLM). Also called: Bloom-Torre-Machacek syndrome. Identifiers: Orphanet 125, MedGen C0005859, MONDO:0008876, OMIM 210900.

Allele frequency attached by ClinVar (database versions not stated): TOPMed 0.00001.

Submissions (2):

Labcorp Genetics (formerly Invitae), Labcorp
Classification: Likely benign for Bloom syndrome. Last evaluated: 2025-03-02. Review status: criteria provided, single submitter. Criteria: Invitae Variant Classification Sherloc (09022015). Collection method: clinical testing. Allele origin: germline.

Sema4
Classification: Uncertain significance for Hereditary cancer-predisposing syndrome. Last evaluated: 2021-06-18. Review status: criteria provided, single submitter. Criteria: Sema4 Curation Guidelines. Collection method: curation. Allele origin: germline.
Comment: The BLM c.99-9A>T variant has not been reported in the literature to our knowledge. It was not observed in the large and broad cohorts of the Genome Aggregation Database (PMID: 32461654) but has been reported in ClinVar (Variation ID 454171). In silico tools suggest the variant may alter splicing, though these predictions have not been confirmed by functional studies. The evidence is insufficient to meet ACMG/AMP criteria for classifying the variant as benign or pathogenic. Thus, the clinical significance of this variant is currently uncertain.